The following is an entry in ClinVar:

ClinVar aggregate classification (germline): Uncertain significance. Review status: criteria provided, multiple submitters, no conflicts (2 of 4 stars). 4 submissions from 3 submitters: Uncertain significance (4). Last evaluated 2023-08-24.

Conditions:
Cardiovascular phenotype. Identifiers: MedGen CN230736.
Familial hypobetalipoproteinemia 1. Also called: APOB-Related Familial Hypobetalipoproteinemia; Hypobetalipoproteinemia, normotriglyceridemic; Acanthocytosis with hypobetalipoproteinemia. Identifiers: MedGen C4551990, MONDO:0014252, OMIM 615558.
Hypercholesterolemia, autosomal dominant, type B (FHCL2). Also called: Hyperlipoproteinemia Type IIb; APOLIPOPROTEIN B-100, FAMILIAL DEFECTIVE; APOLIPOPROTEIN B-100, FAMILIAL LIGAND-DEFECTIVE; HYPERCHOLESTEROLEMIA, FAMILIAL, DUE TO LIGAND-DEFECTIVE APOLIPOPROTEIN B; APOB-Related Familial Hypercholesterolemia, Autosomal Dominant; Familial Hypercholesterolemia Type B. Identifiers: MedGen C1704417, MONDO:0007751, OMIM 144010.

Allele frequency attached by ClinVar (database versions not stated): gnomAD exomes below 0.00001; TOPMed below 0.00001; ESP Exome Variant Server 0.00008.
gnomAD v4.1: 6 of 1,614,092 alleles (0.00037%); highest among the groups gnomAD compares: Non-Finnish European, 0.00051%; no homozygotes.

Submissions (4):

Ambry Genetics
Classification: Uncertain significance for Cardiovascular phenotype. Last evaluated: 2023-08-24. Review status: criteria provided, single submitter. Criteria: Ambry Variant Classification Scheme 2023. Collection method: clinical testing. Allele origin: germline.
Comment: The p.S2792C variant (also known as c.8375C>G), located in coding exon 26 of the APOB gene, results from a C to G substitution at nucleotide position 8375. The serine at codon 2792 is replaced by cysteine, an amino acid with dissimilar properties. This amino acid position is not well conserved in available vertebrate species. In addition, this alteration is predicted to be tolerated by in silico analysis. Since supporting evidence is limited at this time, the clinical significance of this alteration remains unclear.

Fulgent Genetics
Classification: Uncertain significance for Hypercholesterolemia, autosomal dominant, type B; Familial hypobetalipoproteinemia 1. Last evaluated: 2021-09-29. Review status: criteria provided, single submitter. Criteria: ACMG Guidelines, 2015. Collection method: clinical testing. Allele origin: unknown.

Illumina Laboratory Services, Illumina
Classification: Uncertain significance for Hypercholesterolemia, autosomal dominant, type B. Last evaluated: 2018-02-09. Review status: criteria provided, single submitter. Criteria: ICSL Variant Classification Criteria 13 December 2019. Collection method: clinical testing. Allele origin: germline.

Illumina Laboratory Services, Illumina
Classification: Uncertain significance for Familial hypobetalipoproteinemia 1. Last evaluated: 2018-02-09. Review status: criteria provided, single submitter. Criteria: ICSL Variant Classification Criteria 13 December 2019. Collection method: clinical testing. Allele origin: germline.

NM_000384.3(APOB):c.8375C>G (p.Ser2792Cys)

Gene: APOB (apolipoprotein B; minus strand). Cytogenetic location: 2p24.1.
Variant type: single nucleotide variant.
Coding change: c.8375C>G on transcript NM_000384.3 (MANE Select); coding-DNA position 8375, C replaced by G.
Protein change: p.Ser2792Cys; replaces serine 2792 with cysteine.
Molecular consequence: missense variant.
Genome position (GRCh38, 1-based): chr2:21,008,493, G>C on the plus strand (C>G on the coding strand, the complement: APOB is on the minus strand). VCF-style: chr2-21008493-G-C. GRCh37 (hg19) VCF-style: chr2-21231365-G-C.
Other names: short protein forms S2792C.
Identifiers: ClinVar variation 898332 (VCV000898332.7), dbSNP rs368776368, ClinGen allele CA43500660.
Genomic context (GRCh38, chr2:21,008,493, plus strand): 5'-GCATTTGCTTGAAAATCAAAATTGAGAACTTCTAATTTGGACTCTCCTTTGGCAGTGATG[G>C]AAGCTGCGATACCTGCTTCGTTTGCTGAGGTGGTTCCATTCCCTATGTCAGCATTTGCAT-3'
Protein context (NP_000375.3, residues 2782-2802): TSANEAGIAA[Ser2792Cys]ITAKGESKLE